The following is an entry in ClinVar:

ClinVar aggregate classification (germline): Likely benign. Review status: criteria provided, multiple submitters, no conflicts (2 of 4 stars). 2 submissions from 2 submitters: Likely benign (2). Last evaluated 2026-04-01.

Conditions:
Epilepsy, familial focal, with variable foci 3 (FFEVF3). Identifiers: MedGen C4310708, MONDO:0014925, OMIM 617118.

Allele frequency attached by ClinVar (database versions not stated): ExAC 0.00003; gnomAD exomes 0.00006; TOPMed 0.00006; gnomAD 0.00008; 1000 Genomes Project 30x 0.00016; 1000 Genomes Project 0.00020.
gnomAD v4.1: 70 of 1,590,414 alleles (0.0044%); highest among the groups gnomAD compares: Admixed American, 0.016%; no homozygotes.

Submissions (2):

CeGaT Center for Human Genetics Tuebingen
Classification: Likely benign. Last evaluated: 2026-04-01. Review status: criteria provided, single submitter. Criteria: CeGaT Center For Human Genetics Tuebingen Variant Classification Criteria Version 2. Collection method: clinical testing. Allele origin: germline. Affected: yes. Observed: 3 variant alleles.
Comment: NPRL3: BP4, BP7

Labcorp Genetics (formerly Invitae), Labcorp
Classification: Likely benign for Epilepsy, familial focal, with variable foci 3. Last evaluated: 2026-01-21. Review status: criteria provided, single submitter. Criteria: Invitae Variant Classification Sherloc (09022015). Collection method: clinical testing. Allele origin: germline.

NM_001077350.3(NPRL3):c.1329C>T (p.Asn443=)

Genes: HBA-LCR (alpha-globin locus control region; plus strand), NPRL3 (NPR3 like, GATOR1 complex subunit; minus strand). Cytogenetic location: 16p13.3.
Variant type: single nucleotide variant.
Coding change: c.1329C>T on transcript NM_001077350.3 (MANE Select); coding-DNA position 1329, C replaced by T.
Protein change: p.Asn443=; no amino-acid change (asparagine 443 retained).
Molecular consequence: synonymous variant.
Genome position (GRCh38, 1-based): chr16:89,735, G>A on the plus strand (C>T on the coding strand, the complement: NPRL3 is on the minus strand). VCF-style: chr16-89735-G-A. GRCh37 (hg19) VCF-style: chr16-139733-G-A.
Other names: c.792C>T, p.Asn264= (NM_001039476.3); c.1095C>T, p.Asn365= (NM_001243247.2); c.1254C>T, p.Asn418= (NM_001243248.2, NM_001243249.2).
Identifiers: ClinVar variation 1101742 (VCV001101742.42), dbSNP rs559760517, ClinGen allele CA7769367.